The following is an entry in ClinVar:

NM_001253697.2(ERBIN):c.2451A>G (p.Glu817=)

Gene: ERBIN (erbb2 interacting protein; plus strand). Cytogenetic location: 5q12.3.
Variant type: single nucleotide variant.
Coding change: c.2451A>G on transcript NM_001253697.2 (MANE Select); coding-DNA position 2451, A replaced by G.
Protein change: p.Glu817=; no amino-acid change (glutamic acid 817 retained).
Molecular consequence: synonymous variant.
Genome position (GRCh38, 1-based): chr5:66,053,769, A>G. VCF-style: chr5-66053769-A-G. GRCh37 (hg19) VCF-style: chr5-65349597-A-G.
Other names: c.2451A>G, p.Glu817= (NM_001006600.3, NM_001253698.2, NM_001253699.2 and 1 more transcripts); c.2439A>G, p.Glu813= (NM_001253701.2); c.2451A>G (NM_001006600.2).
Identifiers: ClinVar variation 1604115 (VCV001604115.11), dbSNP rs763843678, ClinGen allele CA3286491.

ClinVar aggregate classification (germline): Benign/Likely benign. Review status: criteria provided, multiple submitters, no conflicts (2 of 4 stars). 3 submissions from 3 submitters: Benign (1); Likely benign (1). 1 of the submissions does not count toward it. Last evaluated 2025-05-05.

Conditions:
ERBIN-related disorder. Also called: ERBIN-related condition.

Allele frequency attached by ClinVar (database versions not stated): gnomAD 0.00002; TOPMed 0.00002; gnomAD exomes 0.00003 and 0.00006; ExAC 0.00006.
gnomAD v4.1: 42 of 1,613,734 alleles (0.0026%); highest among the groups gnomAD compares: Non-Finnish European, 0.003%; no homozygotes.

Submissions (3):

Labcorp Genetics (formerly Invitae), Labcorp
Classification: Likely benign. Last evaluated: 2025-05-05. Review status: criteria provided, single submitter. Criteria: Invitae Variant Classification Sherloc (09022015). Collection method: clinical testing. Allele origin: germline.

Laboratory of Genetics, Children's Clinical University Hospital Latvia
Classification: Benign. Last evaluated: 2025-02-16. Review status: criteria provided, single submitter. Criteria: ACMG Guidelines, 2015. Collection method: clinical testing. Allele origin: germline. Affected: yes.

PreventionGenetics, part of Exact Sciences
Classification: Likely benign for ERBIN-related condition. Last evaluated: 2022-07-27. Review status: no assertion criteria provided. Collection method: clinical testing. Allele origin: germline. Not counted in ClinVar's aggregate classification.
Comment: This variant is classified as likely benign based on ACMG/AMP sequence variant interpretation guidelines (Richards et al. 2015 PMID: 25741868, with internal and published modifications).